The following is an entry in ClinVar:

ClinVar aggregate classification (germline): Pathogenic. Review status: criteria provided, multiple submitters, no conflicts (2 of 4 stars). 2 submissions from 2 submitters: Pathogenic (2). Last evaluated 2026-07-22.

Conditions:
TJP2-related disorder. Also called: TJP2-related condition.

Submissions (2):

PreventionGenetics, part of Exact Sciences
Classification: Pathogenic for TJP2-related condition. Last evaluated: 2026-07-22. Review status: criteria provided, single submitter. Criteria: ACMG Guidelines, 2015. Collection method: clinical testing. Allele origin: germline.
Comment: The TJP2 c.498dupG variant is predicted to result in a frameshift and premature protein termination (p.Arg167Alafs*16). To our knowledge, this variant has not been reported in the literature. An alternate nucleotide change at the same genomic position also resulting in a frameshift variant, c.498del (p.Arg167Alafs*144), has been reported in the homozygous state in an individual with progressive familial intrahepatic cholestasis (Pfister et al. 2022. PubMed ID: 35184362). This variant is reported in 0.00098% of alleles in individuals of European (Non-Finnish) descent in gnomAD. Frameshift variants in TJP2 are expected to be pathogenic. This variant is interpreted as pathogenic.

Eurofins Ntd Llc (ga)
Classification: Pathogenic. Last evaluated: 2016-08-26. Review status: criteria provided, single submitter. Criteria: EGL Classification Definitions. Collection method: clinical testing. Allele origin: germline. Observed: 2 variant alleles, 2 heterozygotes.

NM_004817.4(TJP2):c.498dup (p.Arg167fs)

Gene: TJP2 (tight junction protein 2; plus strand). Cytogenetic location: 9q21.11.
Variant type: Duplication.
Coding change: c.498dup on transcript NM_004817.4 (MANE Select); coding-DNA position 498, one base duplicated (G; older notation c.498dupG).
Protein change: p.Arg167fs; shifts the reading frame from arginine 167.
Molecular consequence: frameshift variant.
Genome position (GRCh38, 1-based): chr9:69,221,042, G duplicated; the last of 6 consecutive G bases (chr9:69,221,037-69,221,042); duplicating any one gives the same sequence. VCF-style (leftmost placement, unchanged base first): chr9-69221036-T-TG. GRCh37 (hg19) VCF-style: chr9-71835952-T-TG.
Other names: c.498dupG (NM_004817.3); c.429dup, p.Arg144fs (NM_001170414.2, NM_001369870.1, NM_001369871.1); c.510dup, p.Arg171fs (NM_001170415.1, NM_001369874.1, NM_001369875.1); c.591dup, p.Arg198fs (NM_001170416.2); c.498dup, p.Arg167fs (NM_001369872.1, NM_001369873.1, NM_201629.3 and 1 more transcripts); short protein forms R167fs, R171fs, R144fs, R198fs.
Identifiers: ClinVar variation 289946 (VCV000289946.7), dbSNP rs781334233, ClinGen allele CA5073019.